The following is an entry in ClinVar:

NM_005559.4(LAMA1):c.5794C>G (p.Leu1932Val)

Gene: LAMA1 (laminin subunit alpha 1; minus strand). Cytogenetic location: 18p11.31.
Variant type: single nucleotide variant.
Coding change: c.5794C>G on transcript NM_005559.4 (MANE Select); coding-DNA position 5794, C replaced by G.
Protein change: p.Leu1932Val; replaces leucine 1932 with valine.
Molecular consequence: missense variant.
Genome position (GRCh38, 1-based): chr18:6,983,101, G>C on the plus strand (C>G on the coding strand, the complement: LAMA1 is on the minus strand). VCF-style: chr18-6983101-G-C. GRCh37 (hg19) VCF-style: chr18-6983100-G-C.
Other names: short protein forms L1932V.
Identifiers: ClinVar variation 786333 (VCV000786333.11), dbSNP rs115759032, ClinGen allele CA8881492.
Genomic context (GRCh38, chr18:6,983,101, plus strand): 5'-ACCCGGTACAGAAAAATCTCCCACAGAGCCCAGAAAAAGAAGCCACGTCGTTTCCTACCA[G>C]GCTCGTCTCAGTCACAGTCCTGTGAGCATCTCTGGCCAGTTCCTCCGATTCTTCAATCAG-3'
Protein context (NP_005550.2, residues 1922-1942): DAHRTVTETS[Leu1932Val]LSESLVSNGK

ClinVar aggregate classification (germline): Conflicting classifications of pathogenicity. Review status: criteria provided, conflicting classifications (1 of 4 stars). 4 submissions from 4 submitters: Uncertain significance (1); Likely benign (2). 1 of the submissions does not count toward it. Last evaluated 2025-12-23.

Conditions:
LAMA1-related disorder. Also called: LAMA1-related disorders; LAMA1-related condition.

Allele frequency attached by ClinVar (database versions not stated): gnomAD exomes 0.00040; ExAC 0.00059; 1000 Genomes Project 0.00140; 1000 Genomes Project 30x 0.00141; gnomAD 0.00155 and 0.00168; TOPMed 0.00162; ESP Exome Variant Server 0.00215.
gnomAD v4.1: 456 of 1,614,108 alleles (0.028%); highest among the groups gnomAD compares: African/African-American, 0.55%; no homozygotes.

Submissions (4):

Labcorp Genetics (formerly Invitae), Labcorp
Classification: Likely benign. Last evaluated: 2025-12-23. Review status: criteria provided, single submitter. Criteria: Invitae Variant Classification Sherloc (09022015). Collection method: clinical testing. Allele origin: germline.

Blueprint Genetics
Classification: Likely benign. Last evaluated: 2024-10-16. Review status: criteria provided, single submitter. Criteria: ACMG Guidelines, 2015. Collection method: clinical testing. Allele origin: germline.

GeneDx
Classification: Uncertain significance. Last evaluated: 2023-03-21. Review status: criteria provided, single submitter. Criteria: GeneDx Variant Classification Process June 2021. Collection method: clinical testing. Allele origin: germline. Affected: yes.
Comment: In silico analysis supports that this missense variant does not alter protein structure/function; In-silico analysis is inconclusive as to whether the variant alters gene splicing. In the absence of RNA/functional studies, the actual effect of this sequence change is unknown.; Has not been previously published as pathogenic or benign to our knowledge

PreventionGenetics, part of Exact Sciences
Classification: Likely benign for LAMA1-related condition. Last evaluated: 2024-04-05. Review status: no assertion criteria provided. Collection method: clinical testing. Allele origin: germline. Not counted in ClinVar's aggregate classification.
Comment: This variant is classified as likely benign based on ACMG/AMP sequence variant interpretation guidelines (Richards et al. 2015 PMID: 25741868, with internal and published modifications).